The following is an entry in ClinVar:

ClinVar aggregate classification (germline): Uncertain significance. Review status: criteria provided, multiple submitters, no conflicts (2 of 4 stars). 3 submissions from 3 submitters: Uncertain significance (2). 1 of the submissions does not count toward it. Last evaluated 2026-01-23.

Conditions:
Cohen syndrome (COH1). Also called: Cutis verticis gyrata, retinitis pigmentosa, and sensorineural deafness; PEPPER SYNDROME. Identifiers: Orphanet 193, MedGen C0265223, MONDO:0008999, OMIM 216550.
VPS13B-related disorder. Also called: VPS13B-related condition.

Allele frequency attached by ClinVar (database versions not stated): TOPMed below 0.00001; gnomAD exomes 0.00001.
gnomAD v4.1: 9 of 1,614,034 alleles (0.00056%); highest among the groups gnomAD compares: Admixed American, 0.0033%; no homozygotes.

Submissions (3):

Women's Health and Genetics/Laboratory Corporation of America, LabCorp
Classification: Uncertain significance. Last evaluated: 2026-01-23. Review status: criteria provided, single submitter. Criteria: LabCorp Variant Classification Summary - May 2015. Collection method: clinical testing. Allele origin: germline.

Labcorp Genetics (formerly Invitae), Labcorp
Classification: Uncertain significance for Cohen syndrome. Last evaluated: 2022-08-06. Review status: criteria provided, single submitter. Criteria: Invitae Variant Classification Sherloc (09022015). Collection method: clinical testing. Allele origin: germline.
Comment: This sequence change replaces arginine, which is basic and polar, with cysteine, which is neutral and slightly polar, at codon 1321 of the VPS13B protein (p.Arg1321Cys). This variant is present in population databases (no rsID available, gnomAD 0.007%). This variant has not been reported in the literature in individuals affected with VPS13B-related conditions. Algorithms developed to predict the effect of missense changes on protein structure and function are either unavailable or do not agree on the potential impact of this missense change (SIFT: "Not Available"; PolyPhen-2: "Benign"; Align-GVGD: "Not Available"). In summary, the available evidence is currently insufficient to determine the role of this variant in disease. Therefore, it has been classified as a Variant of Uncertain Significance.

PreventionGenetics, part of Exact Sciences
Classification: Uncertain significance for VPS13B-related condition. Last evaluated: 2024-05-22. Review status: no assertion criteria provided. Collection method: clinical testing. Allele origin: germline. Not counted in ClinVar's aggregate classification.
Comment: The VPS13B c.3961C>T variant is predicted to result in the amino acid substitution p.Arg1321Cys. To our knowledge, this variant has not been reported in the literature. This variant is reported in 0.0062% of alleles in individuals of African descent in gnomAD. At this time, the clinical significance of this variant is uncertain due to the absence of conclusive functional and genetic evidence.

NM_152564.5(VPS13B):c.3961C>T (p.Arg1321Cys)

Gene: VPS13B (vacuolar protein sorting 13 homolog B; plus strand). Cytogenetic location: 8q22.2.
Variant type: single nucleotide variant.
Coding change: c.3961C>T on transcript NM_152564.5 (MANE Select); coding-DNA position 3961, C replaced by T.
Protein change: p.Arg1321Cys; replaces arginine 1321 with cysteine.
Molecular consequence: missense variant.
Genome position (GRCh38, 1-based): chr8:99,501,777, C>T. VCF-style: chr8-99501777-C-T. GRCh37 (hg19) VCF-style: chr8-100514005-C-T.
Other names: c.3961C>T, p.Arg1321Cys (NM_017890.5); short protein forms R1321C.
Identifiers: ClinVar variation 1958041 (VCV001958041.4), dbSNP rs922475155, ClinGen allele CA182981236.